The following is an entry in ClinVar:

NM_012144.4(DNAI1):c.1592A>G (p.Gln531Arg)

Gene: DNAI1 (dynein axonemal intermediate chain 1; plus strand). Cytogenetic location: 9p13.3.
Variant type: single nucleotide variant.
Coding change: c.1592A>G on transcript NM_012144.4 (MANE Select); coding-DNA position 1592, A replaced by G.
Protein change: p.Gln531Arg; replaces glutamine 531 with arginine.
Molecular consequence: missense variant.
Genome position (GRCh38, 1-based): chr9:34,514,416, A>G. VCF-style: chr9-34514416-A-G. GRCh37 (hg19) VCF-style: chr9-34514414-A-G.
Other names: c.1604A>G, p.Gln535Arg (NM_001281428.2); short protein forms Q531R, Q535R.
Identifiers: ClinVar variation 3626902 (VCV003626902.2).

ClinVar aggregate classification (germline): Uncertain significance (1 of 4 stars; one submission).

Conditions:
Primary ciliary dyskinesia. Also called: Ciliary dyskinesia. Identifiers: Orphanet 244, MedGen C0008780, MONDO:0016575, HP:0012265.

gnomAD v4.1: 2 of 1,614,044 alleles (0.00012%); highest among the groups gnomAD compares: African/African-American, 0.0027%; no homozygotes.

Submission:

Labcorp Genetics (formerly Invitae), Labcorp
Classification: Uncertain significance for Primary ciliary dyskinesia. Last evaluated: 2024-12-10. Review status: criteria provided, single submitter. Criteria: Invitae Variant Classification Sherloc (09022015). Collection method: clinical testing. Allele origin: germline.
Comment: This sequence change replaces glutamine, which is neutral and polar, with arginine, which is basic and polar, at codon 531 of the DNAI1 protein (p.Gln531Arg). This variant is present in population databases (rs377217567, gnomAD 0.01%). This variant has not been reported in the literature in individuals affected with DNAI1-related conditions. Invitae Evidence Modeling of protein sequence and biophysical properties (such as structural, functional, and spatial information, amino acid conservation, physicochemical variation, residue mobility, and thermodynamic stability) indicates that this missense variant is not expected to disrupt DNAI1 protein function with a negative predictive value of 80%. In summary, the available evidence is currently insufficient to determine the role of this variant in disease. Therefore, it has been classified as a Variant of Uncertain Significance.